The following is an entry in ClinVar:

ClinVar aggregate classification (germline): Likely pathogenic (1 of 4 stars; one submission).

Conditions:
Asphyxiating thoracic dystrophy 3. Also called: SHORT-RIB THORACIC DYSPLASIA 3 WITH OR WITHOUT POLYDACTYLY; POLYDACTYLY WITH NEONATAL CHONDRODYSTROPHY, TYPE I; SHORT-RIB THORACIC DYSPLASIA 3/6 WITH POLYDACTYLY, DIGENIC; Saldino-Noonan Syndrome; Short rib polydactyly syndrome 2B. Identifiers: Orphanet 474, Orphanet 93269, Orphanet 93270, Orphanet 93271, MedGen C0036069, MONDO:0013127, OMIM 613091.

Submission:

3billion
Classification: Likely pathogenic for Asphyxiating thoracic dystrophy 3. Last evaluated: 2024-06-14. Review status: criteria provided, single submitter. Criteria: ACMG Guidelines, 2015. Collection method: clinical testing. Allele origin: germline. Affected: yes.
Comment: The variant is not observed in the gnomAD v4.0.0 dataset. Predicted Consequence/Location: Frameshift: predicted to result in a loss or disruption of normal protein function through nonsense-mediated decay (NMD) or protein truncation. Multiple pathogenic variants are reported downstream of the variant. Therefore, this variant is classified as Likely pathogenic according to the recommendation of ACMG/AMP guideline.

Literature cited by the submitters: PubMed 25492405.

NM_001377.3(DYNC2H1):c.2443G>C (p.Gly815Arg)

Gene: DYNC2H1 (dynein cytoplasmic 2 heavy chain 1; plus strand). Cytogenetic location: 11q22.3.
Variant type: single nucleotide variant.
Coding change: c.2443G>C on transcript NM_001377.3 (MANE Select); coding-DNA position 2443, G replaced by C.
Protein change: p.Gly815Arg; replaces glycine 815 with arginine.
Molecular consequence: missense variant.
Genome position (GRCh38, 1-based): chr11:103,135,817, G>C. VCF-style: chr11-103135817-G-C. GRCh37 (hg19) VCF-style: chr11-103006546-G-C.
Other names: c.2443G>C, p.Gly815Arg (NM_001080463.2); short protein forms G815R.
Identifiers: ClinVar variation 2572527 (VCV002572527.2), dbSNP rs1859507049, ClinGen allele CA382260601.